The following is an entry in ClinVar:

ClinVar aggregate classification (germline): Uncertain significance (1 of 4 stars; one submission).

Conditions:
46,XY sex reversal 9 (SRXY9). Also called: 46,XY SEX REVERSAL, ZFPM2-RELATED. Identifiers: Orphanet 251510, MedGen C4015129, MONDO:0014480, OMIM 616067.

Allele frequency attached by ClinVar (database versions not stated): gnomAD 0.00002; gnomAD exomes 0.00002 and 0.00003; ExAC 0.00003; TOPMed 0.00003; ESP Exome Variant Server 0.00008.
gnomAD v4.1: 45 of 1,613,644 alleles (0.0028%); highest among the groups gnomAD compares: Non-Finnish European, 0.0034%; no homozygotes.

Submission:

Labcorp Genetics (formerly Invitae), Labcorp
Classification: Uncertain significance for 46,XY sex reversal 9. Last evaluated: 2024-03-19. Review status: criteria provided, single submitter. Criteria: Invitae Variant Classification Sherloc (09022015). Collection method: clinical testing. Allele origin: germline.
Comment: This sequence change replaces asparagine, which is neutral and polar, with serine, which is neutral and polar, at codon 767 of the ZFPM2 protein (p.Asn767Ser). This variant is present in population databases (rs374095734, gnomAD 0.004%). This variant has not been reported in the literature in individuals affected with ZFPM2-related conditions. ClinVar contains an entry for this variant (Variation ID: 647578). Algorithms developed to predict the effect of missense changes on protein structure and function output the following: SIFT: "Not Available"; PolyPhen-2: "Benign"; Align-GVGD: "Not Available". The serine amino acid residue is found in multiple mammalian species, which suggests that this missense change does not adversely affect protein function. In summary, the available evidence is currently insufficient to determine the role of this variant in disease. Therefore, it has been classified as a Variant of Uncertain Significance.

NM_012082.4(ZFPM2):c.2300A>G (p.Asn767Ser)

Genes: ZFPM2 (zinc finger protein, FOG family member 2; plus strand), ZFPM2-AS1 (ZFPM2 antisense RNA 1; minus strand), LOC126860469 (BRD4-independent group 4 enhancer GRCh37_chr8:106814445-106815644; plus strand). Cytogenetic location: 8q23.1.
Variant type: single nucleotide variant.
Coding change: c.2300A>G on transcript NM_012082.4 (MANE Select); coding-DNA position 2300, A replaced by G.
Protein change: p.Asn767Ser; replaces asparagine 767 with serine.
Molecular consequence: missense variant.
Genome position (GRCh38, 1-based): chr8:105,802,382, A>G. VCF-style: chr8-105802382-A-G. GRCh37 (hg19) VCF-style: chr8-106814610-A-G.
Other names: c.2141A>G, p.Asn714Ser (NM_001362836.2); c.1904A>G, p.Asn635Ser (NM_001362837.2); short protein forms N767S, N635S, N714S.
Identifiers: ClinVar variation 647578 (VCV000647578.9), dbSNP rs374095734, ClinGen allele CA4839888.